The following is an entry in ClinVar:

NM_000540.3(RYR1):c.4215C>G (p.Pro1405=)

Gene: RYR1 (ryanodine receptor 1; plus strand). Cytogenetic location: 19q13.2.
Variant type: single nucleotide variant.
Coding change: c.4215C>G on transcript NM_000540.3 (MANE Select); coding-DNA position 4215, C replaced by G.
Protein change: p.Pro1405=; no amino-acid change (proline 1405 retained).
Molecular consequence: synonymous variant.
Genome position (GRCh38, 1-based): chr19:38,475,372, C>G. VCF-style: chr19-38475372-C-G. GRCh37 (hg19) VCF-style: chr19-38966012-C-G.
Other names: c.4215C>G, p.Pro1405= (NM_001042723.2); c.4215C>G (NM_000540.2).
Identifiers: ClinVar variation 1643353 (VCV001643353.11), dbSNP rs752410805, ClinGen allele CA065671.

ClinVar aggregate classification (germline): Likely benign. Review status: criteria provided, multiple submitters, no conflicts (2 of 4 stars). 3 submissions from 3 submitters: Likely benign (2). 1 of the submissions does not count toward it. Last evaluated 2026-08-01.

Conditions:
RYR1-related disorder. Also called: RYR1-related disorders; RYR1-related condition. Identifiers: MedGen CN239331.

Allele frequency attached by ClinVar (database versions not stated): gnomAD exomes below 0.00001 and 0.00001; ExAC 0.00002.
gnomAD v4.1: 21 of 1,613,098 alleles (0.0013%); highest among the groups gnomAD compares: African/African-American, 0.0067%; no homozygotes.

Submissions (3):

CeGaT Center for Human Genetics Tuebingen
Classification: Likely benign. Last evaluated: 2026-08-01. Review status: criteria provided, single submitter. Criteria: CeGaT Center For Human Genetics Tuebingen Variant Classification Criteria Version 2. Collection method: clinical testing. Allele origin: germline. Affected: yes. Observed: 1 variant allele.
Comment: RYR1: BP4, BP7

Labcorp Genetics (formerly Invitae), Labcorp
Classification: Likely benign for RYR1-related disorder. Last evaluated: 2025-11-12. Review status: criteria provided, single submitter. Criteria: Invitae Variant Classification Sherloc (09022015). Collection method: clinical testing. Allele origin: germline.

PreventionGenetics, part of Exact Sciences
Classification: Likely benign for RYR1-related condition. Last evaluated: 2019-10-29. Review status: no assertion criteria provided. Collection method: clinical testing. Allele origin: germline. Not counted in ClinVar's aggregate classification.
Comment: This variant is classified as likely benign based on ACMG/AMP sequence variant interpretation guidelines (Richards et al. 2015 PMID: 25741868, with internal and published modifications).